The following is an entry in ClinVar:

ClinVar aggregate classification (germline): Pathogenic (1 of 4 stars; one submission).

Conditions:
Hereditary spastic paraplegia 15 (SPG15). Also called: SPASTIC PARAPLEGIA 15, AUTOSOMAL RECESSIVE; KJELLIN SYNDROME; SPASTIC PARAPLEGIA AND RETINAL DEGENERATION. Identifiers: Orphanet 100996, MedGen C1849128, MONDO:0010044, OMIM 270700.

Submission:

Myriad Genetics, Inc.
Classification: Pathogenic for Hereditary spastic paraplegia 15. Last evaluated: 2023-12-24. Review status: criteria provided, single submitter. Criteria: Myriad Autosomal Dominant, Autosomal Recessive and X-Linked Classification Criteria (2023). Collection method: clinical testing. Allele origin: unknown.
Comment: NM_015346.3(ZFYVE26):c.5053_5057del5(L1685Yfs*75) is expected to be pathogenic in the context of spastic paraplegia type 15. This variant is predicted to lead to an abnormal or absent protein product due to the creation of a premature termination codon in ZFYVE26, a gene where loss-of-function variants are known to be pathogenic. Please note: this variant was assessed in the context of healthy population screening.

NM_015346.4(ZFYVE26):c.5053_5057del (p.Leu1685fs)

Gene: ZFYVE26 (zinc finger FYVE-type containing 26; minus strand). Cytogenetic location: 14q24.1.
Variant type: Deletion.
Coding change: c.5053_5057del on transcript NM_015346.4 (MANE Select); coding-DNA positions 5053 to 5057, 5 bases deleted (CTGCT; older notation c.5053_5057delCTGCT).
Protein change: p.Leu1685fs; shifts the reading frame from leucine 1685.
Molecular consequence: frameshift variant.
Genome position (GRCh38, 1-based): chr14:67,776,024-67,776,028, AGCAG deleted on the plus strand (CTGCT on the coding strand, the reverse complement: ZFYVE26 is on the minus strand). VCF-style (leftmost placement, unchanged base first): chr14-67776023-AAGCAG-A. GRCh37 (hg19) VCF-style: chr14-68242740-AAGCAG-A.
Other names: short protein forms L1685fs.
Identifiers: ClinVar variation 5012604 (VCV005012604.1).